The following is an entry in ClinVar:

NM_001184880.2(PCDH19):c.1696C>T (p.Pro566Ser)

Gene: PCDH19 (protocadherin 19; minus strand). Cytogenetic location: Xq22.1.
Variant type: single nucleotide variant.
Coding change: c.1696C>T on transcript NM_001184880.2 (MANE Select); coding-DNA position 1696, C replaced by T.
Protein change: p.Pro566Ser; replaces proline 566 with serine.
Molecular consequence: missense variant.
Genome position (GRCh38, 1-based): chrX:100,406,902, G>A on the plus strand (C>T on the coding strand, the complement: PCDH19 is on the minus strand). VCF-style: chrX-100406902-G-A. GRCh37 (hg19) VCF-style: chrX-99661900-G-A.
Other names: c.1696C>T, p.Pro566Ser (NM_001105243.2, NM_020766.3); short protein forms P566S.
Identifiers: ClinVar variation 971984 (VCV000971984.10), dbSNP rs1928370474, ClinGen allele CA414002166.

ClinVar aggregate classification (germline): Pathogenic (1 of 4 stars; one submission).

Conditions:
Developmental and epileptic encephalopathy, 9 (DEE9). Also called: Early infantile epileptic encephalopathy 9; PCDH19-Related X-Linked Female-Limited Epilepsy with Mental Retardation; EPILEPSY, FEMALE-RESTRICTED, WITH MENTAL RETARDATION; JUBERG-HELLMAN SYNDROME. Identifiers: Orphanet 101039, Orphanet 2076, MedGen C1848137, MONDO:0010246, OMIM 300088. Disease mechanism: loss of function.

Submission:

Labcorp Genetics (formerly Invitae), Labcorp
Classification: Pathogenic for Developmental and epileptic encephalopathy, 9. Last evaluated: 2024-10-31. Review status: criteria provided, single submitter. Criteria: Invitae Variant Classification Sherloc (09022015). Collection method: clinical testing. Allele origin: germline.
Comment: This sequence change replaces proline, which is neutral and non-polar, with serine, which is neutral and polar, at codon 566 of the PCDH19 protein (p.Pro566Ser). This variant is not present in population databases (gnomAD no frequency). This missense change has been observed in individual(s) with clinical features of developmental and epileptic encephalopathy (internal data). In at least one individual the variant was observed to be de novo. ClinVar contains an entry for this variant (Variation ID: 971984). Invitae Evidence Modeling of protein sequence and biophysical properties (such as structural, functional, and spatial information, amino acid conservation, physicochemical variation, residue mobility, and thermodynamic stability) indicates that this missense variant is expected to disrupt PCDH19 protein function with a positive predictive value of 95%. For these reasons, this variant has been classified as Pathogenic.